The following is an entry in ClinVar:

NM_152594.3(SPRED1):c.154G>A (p.Glu52Lys)

Gene: SPRED1 (sprouty related EVH1 domain containing 1; plus strand). Cytogenetic location: 15q14.
Variant type: single nucleotide variant.
Coding change: c.154G>A on transcript NM_152594.3 (MANE Select); coding-DNA position 154, G replaced by A.
Protein change: p.Glu52Lys; replaces glutamic acid 52 with lysine.
Molecular consequence: missense variant.
Genome position (GRCh38, 1-based): chr15:38,299,494, G>A. VCF-style: chr15-38299494-G-A. GRCh37 (hg19) VCF-style: chr15-38591695-G-A.
Other names: short protein forms E52K.
Identifiers: ClinVar variation 1387272 (VCV001387272.6), dbSNP rs2140978504, ClinGen allele CA391934333.

ClinVar aggregate classification (germline): Uncertain significance (1 of 4 stars; one submission).

Conditions:
Legius syndrome. Identifiers: Orphanet 137605, MedGen C1969623, MONDO:0012669, OMIM 611431. Disease mechanism: loss of function.

Submission:

Labcorp Genetics (formerly Invitae), Labcorp
Classification: Uncertain significance for Legius syndrome. Last evaluated: 2023-07-05. Review status: criteria provided, single submitter. Criteria: Invitae Variant Classification Sherloc (09022015). Collection method: clinical testing. Allele origin: germline.
Comment: This variant is not present in population databases (gnomAD no frequency). In summary, the available evidence is currently insufficient to determine the role of this variant in disease. Therefore, it has been classified as a Variant of Uncertain Significance. Advanced modeling of protein sequence and biophysical properties (such as structural, functional, and spatial information, amino acid conservation, physicochemical variation, residue mobility, and thermodynamic stability) performed at Invitae indicates that this missense variant is not expected to disrupt SPRED1 protein function. ClinVar contains an entry for this variant (Variation ID: 1387272). This variant has not been reported in the literature in individuals affected with SPRED1-related conditions. This sequence change replaces glutamic acid, which is acidic and polar, with lysine, which is basic and polar, at codon 52 of the SPRED1 protein (p.Glu52Lys).